The following is an entry in ClinVar:

ClinVar aggregate classification (germline): Uncertain significance (1 of 4 stars; one submission).

Submission:

Labcorp Genetics (formerly Invitae), Labcorp
Classification: Uncertain significance. Last evaluated: 2022-05-12. Review status: criteria provided, single submitter. Criteria: Invitae Variant Classification Sherloc (09022015). Collection method: clinical testing. Allele origin: germline.
Comment: In summary, the available evidence is currently insufficient to determine the role of this variant in disease. Therefore, it has been classified as a Variant of Uncertain Significance. Algorithms developed to predict the effect of missense changes on protein structure and function (SIFT, PolyPhen-2, Align-GVGD) all suggest that this variant is likely to be tolerated. This variant has not been reported in the literature in individuals affected with ACBD5-related conditions. This variant is not present in population databases (gnomAD no frequency). This sequence change replaces lysine, which is basic and polar, with arginine, which is basic and polar, at codon 413 of the ACBD5 protein (p.Lys413Arg).

NM_145698.5(ACBD5):c.1238A>G (p.Lys413Arg)

Gene: ACBD5 (acyl-CoA binding domain containing 5; minus strand). Cytogenetic location: 10p12.1.
Variant type: single nucleotide variant.
Coding change: c.1238A>G on transcript NM_145698.5 (MANE Select); coding-DNA position 1238, A replaced by G.
Protein change: p.Lys413Arg; replaces lysine 413 with arginine.
Molecular consequence: missense variant.
Genome position (GRCh38, 1-based): chr10:27,208,412, T>C on the plus strand (A>G on the coding strand, the complement: ACBD5 is on the minus strand). VCF-style: chr10-27208412-T-C. GRCh37 (hg19) VCF-style: chr10-27497341-T-C.
Other names: c.1133A>G, p.Lys378Arg (NM_001042473.4, NM_001352577.2, NM_001352578.2 and 1 more transcripts); c.1232A>G, p.Lys411Arg (NM_001271512.3); c.911A>G, p.Lys304Arg (NM_001301251.2, NM_001301252.2, NM_001301253.2 and 2 more transcripts); c.707A>G, p.Lys236Arg (NM_001301254.2); c.1292A>G, p.Lys431Arg (NM_001352568.1); c.1271A>G, p.Lys424Arg (NM_001352569.1); c.1238A>G, p.Lys413Arg (NM_001352570.1); c.1265A>G, p.Lys422Arg (NM_001352571.1); and 10 more; short protein forms K315R, K345R, K378R, K422R, K236R, K360R, K406R, K411R.
Identifiers: ClinVar variation 1993793 (VCV001993793.4), dbSNP rs774559584, ClinGen allele CA376373573.
Genomic context (GRCh38, chr10:27,208,412, plus strand): 5'-CGGGACCCTCTGTCGGAGCCCCAGCGCTCCCCATCACCTCCACTTCCCACCTGCCGGCCC[T>C]TGGTTCCTTCGCTCAAGTGTTGCATCCTATGTCCTATTTTAAGAGGCAAAAATAAGCTTG-3'
Protein context (NP_663736.2, residues 403-423): HRMQHLSEGT[Lys413Arg]GRQVGSGGDG